The following is an entry in ClinVar:

ClinVar aggregate classification (germline): Uncertain significance (1 of 4 stars; one submission).

gnomAD v4.1: 4 of 1,614,064 alleles (0.00025%); highest among the groups gnomAD compares: South Asian, 0.0011%; no homozygotes.

Submission:

Labcorp Genetics (formerly Invitae), Labcorp
Classification: Uncertain significance. Last evaluated: 2025-06-02. Review status: criteria provided, single submitter. Criteria: Invitae Variant Classification Sherloc (09022015). Collection method: clinical testing. Allele origin: germline.
Comment: This sequence change replaces histidine, which is basic and polar, with arginine, which is basic and polar, at codon 809 of the KIDINS220 protein (p.His809Arg). This variant is present in population databases (rs761127206, gnomAD 0.003%). This variant has not been reported in the literature in individuals affected with KIDINS220-related conditions. An algorithm developed to predict the effect of missense changes on protein structure and function (PolyPhen-2) suggests that this variant is likely to be disruptive. In summary, the available evidence is currently insufficient to determine the role of this variant in disease. Therefore, it has been classified as a Variant of Uncertain Significance.

NM_020738.4(KIDINS220):c.2426A>G (p.His809Arg)

Gene: KIDINS220 (kinase D interacting substrate 220; minus strand). Cytogenetic location: 2p25.1.
Variant type: single nucleotide variant.
Coding change: c.2426A>G on transcript NM_020738.4 (MANE Select); coding-DNA position 2426, A replaced by G.
Protein change: p.His809Arg; replaces histidine 809 with arginine.
Molecular consequence: missense variant. On other transcripts: non-coding transcript variant (2).
Genome position (GRCh38, 1-based): chr2:8,779,084, T>C on the plus strand (A>G on the coding strand, the complement: KIDINS220 is on the minus strand). VCF-style: chr2-8779084-T-C. GRCh37 (hg19) VCF-style: chr2-8919214-T-C.
Other names: c.2429A>G, p.His810Arg (NM_001348729.2, NM_001348731.2, NM_001348734.2 and 3 more transcripts); c.2426A>G, p.His809Arg (NM_001348732.2, NM_001348735.2, NM_001348738.2 and 3 more transcripts); c.2300A>G, p.His767Arg (NM_001348736.2); short protein forms H810R, H767R, H809R.
Identifiers: ClinVar variation 4704133 (VCV004704133.1).
Genomic context (GRCh38, chr2:8,779,084, plus strand): 5'-TTTATATTTGAATCCCGAAGCACACTATTGAGGTTCTGGTTAATTGCCTTTATGATAATA[T>C]GTGGATCACTTGCAAAAATGGCAATGAACGGGCCTTTTGAAAACAGAACTCGGACCTGTG-3'
Protein context (NP_065789.1, residues 799-819): PFIAIFASDP[His809Arg]IIIKAINQNL